The following is an entry in ClinVar:

ClinVar aggregate classification (germline): Uncertain significance (1 of 4 stars; one submission).

Submission:

Ambry Genetics
Classification: Uncertain significance. Last evaluated: 2025-05-06. Review status: criteria provided, single submitter. Criteria: Ambry Variant Classification Scheme 2023. Collection method: clinical testing. Allele origin: germline.
Comment: The p.E540K variant (also known as c.1618G>A), located in coding exon 12 of the RECQL gene, results from a G to A substitution at nucleotide position 1618. The glutamic acid at codon 540 is replaced by lysine, an amino acid with similar properties. This amino acid position is conserved. In addition, this alteration is predicted to be tolerated by in silico analysis. Since supporting evidence is limited at this time, the clinical significance of this alteration remains unclear.

NM_002907.4(RECQL):c.1618G>A (p.Glu540Lys)

Gene: RECQL (RecQ like helicase; minus strand). Cytogenetic location: 12p12.1.
Variant type: single nucleotide variant.
Coding change: c.1618G>A on transcript NM_002907.4 (MANE Select); coding-DNA position 1618, G replaced by A.
Protein change: p.Glu540Lys; replaces glutamic acid 540 with lysine.
Molecular consequence: missense variant.
Genome position (GRCh38, 1-based): chr12:21,471,477, C>T on the plus strand (G>A on the coding strand, the complement: RECQL is on the minus strand). VCF-style: chr12-21471477-C-T. GRCh37 (hg19) VCF-style: chr12-21624411-C-T.
Other names: c.1618G>A, p.Glu540Lys (NM_032941.3); short protein forms E540K.
Identifiers: ClinVar variation 1776543 (VCV001776543.3), dbSNP rs2540320280, ClinGen allele CA384116015.